The following is an entry in ClinVar:

NM_024753.5(TTC21B):c.3581A>G (p.Glu1194Gly)

Gene: TTC21B (tetratricopeptide repeat domain 21B; minus strand). Cytogenetic location: 2q24.3.
Variant type: single nucleotide variant.
Coding change: c.3581A>G on transcript NM_024753.5 (MANE Select); coding-DNA position 3581, A replaced by G.
Protein change: p.Glu1194Gly; replaces glutamic acid 1194 with glycine.
Molecular consequence: missense variant.
Genome position (GRCh38, 1-based): chr2:165,883,897, T>C on the plus strand (A>G on the coding strand, the complement: TTC21B is on the minus strand). VCF-style: chr2-165883897-T-C. GRCh37 (hg19) VCF-style: chr2-166740407-T-C.
Other names: c.3581A>G (NM_024753.4); short protein forms E1194G.
Identifiers: ClinVar variation 993616 (VCV000993616.9), dbSNP rs764848148, ClinGen allele CA1941468.
Genomic context (GRCh38, chr2:165,883,897, plus strand): 5'-TCATATTTTGCTGATTGAATGTAAATATCAGCAAGTAGCAGCCAACTCTTCTCAAACTCT[T>C]CAGCATCAATAGCATTCCAATTCATTTTCGCAATACGCTTCAGCTGGTTTCTGGCTCGTG-3'
Protein context (NP_079029.3, residues 1184-1204): AKMNWNAIDA[Glu1194Gly]EFEKSWLLLA

ClinVar aggregate classification (germline): Uncertain significance. Review status: criteria provided, multiple submitters, no conflicts (2 of 4 stars). 2 submissions from 2 submitters: Uncertain significance (2). Last evaluated 2025-06-12.

Conditions:
TTC21B-related disorder. Also called: TTC21B-related disorders; TTC21B-related condition.

Allele frequency attached by ClinVar (database versions not stated): ExAC 0.00001; gnomAD 0.00001; gnomAD exomes 0.00001; TOPMed 0.00001.
gnomAD v4.1: 21 of 1,614,010 alleles (0.0013%); highest among the groups gnomAD compares: Non-Finnish European, 0.0017%; no homozygotes.

Submissions (2):

PreventionGenetics, part of Exact Sciences
Classification: Uncertain significance for TTC21B-related condition. Last evaluated: 2025-06-12. Review status: criteria provided, single submitter. Criteria: ACMG Guidelines, 2015. Collection method: clinical testing. Allele origin: germline.
Comment: The TTC21B c.3581A>G variant is predicted to result in the amino acid substitution p.Glu1194Gly. To our knowledge, this variant has not been reported in the literature. This variant is reported in 0.0062% of alleles in individuals of African descent in gnomAD. At this time, the clinical significance of this variant is uncertain due to the absence of conclusive functional and genetic evidence.

ARUP Laboratories, Molecular Genetics and Genomics, ARUP Laboratories
Classification: Uncertain significance. Last evaluated: 2019-08-26. Review status: criteria provided, single submitter. Criteria: ARUP Molecular Germline Variant Investigation Process. Collection method: clinical testing. Allele origin: germline.
Comment: The TTC21B c.3581A>G, p.(Glu1194Gly) variant (rs764848148), to our knowledge, is not reported in the medical literature or gene specific databases. This variant is listed in the Genome Aggregation Database (gnomAD) with an overall population frequency of 0.001 percent (identified on 3 out of 251,178 chromosomes). The glutamic acid at position 1194 is moderately conserved and computational analyses of the effects of the p.(Glu1194Gly) variant on protein structure and function is deleterious (SIFT: damaging, PolyPhen-2: possibly damaging). Overall, there is not enough evidence to classify the p.(Glu1194Gly) variant with certainty.